The following is an entry in ClinVar:

NM_021098.3(CACNA1H):c.5509C>T (p.Pro1837Ser)

Gene: CACNA1H (calcium voltage-gated channel subunit alpha1 H; plus strand). Cytogenetic location: 16p13.3.
Variant type: single nucleotide variant.
Coding change: c.5509C>T on transcript NM_021098.3 (MANE Select); coding-DNA position 5509, C replaced by T.
Protein change: p.Pro1837Ser; replaces proline 1837 with serine.
Molecular consequence: missense variant.
Genome position (GRCh38, 1-based): chr16:1,218,273, C>T. VCF-style: chr16-1218273-C-T. GRCh37 (hg19) VCF-style: chr16-1268273-C-T.
Other names: c.5491C>T, p.Pro1831Ser (NM_001005407.2); short protein forms P1831S, P1837S.
Identifiers: ClinVar variation 3754778 (VCV003754778.2).
Genomic context (GRCh38, chr16:1,218,273, plus strand): 5'-ACGCTGCGCGAGTGCTCCCGTGAGGACAAGCACTGCCTGAGCTACCTGCCGGCCCTGTCG[C>T]CCGTCTACTTCGTGACCTTCGTGCTGGTGGCCCAGTTCGTGCTGGTGAACGTGGTGGTGG-3'
Protein context (NP_066921.2, residues 1827-1847): HCLSYLPALS[Pro1837Ser]VYFVTFVLVA

ClinVar aggregate classification (germline): Uncertain significance (1 of 4 stars; one submission).

Conditions:
Idiopathic generalized epilepsy. Also called: Generalised epilepsy; EIG. Identifiers: MedGen C0270850, MONDO:0005579, OMIM 600669.
Hyperaldosteronism, familial, type IV (HALD4). Also called: FH IV; ALDOSTERONISM, PRIMARY, AND HYPERTENSION. Identifiers: Orphanet 642671, MedGen C4310756, MONDO:0014875, OMIM 617027.

Submission:

Labcorp Genetics (formerly Invitae), Labcorp
Classification: Uncertain significance for Idiopathic generalized epilepsy; Hyperaldosteronism, familial, type IV. Last evaluated: 2025-12-19. Review status: criteria provided, single submitter. Criteria: Invitae Variant Classification Sherloc (09022015). Collection method: clinical testing. Allele origin: germline.
Comment: This sequence change replaces proline, which is neutral and non-polar, with serine, which is neutral and polar, at codon 1837 of the CACNA1H protein (p.Pro1837Ser). This variant is present in population databases (rs756906452, gnomAD 0.004%). This variant has not been reported in the literature in individuals affected with CACNA1H-related conditions. ClinVar contains an entry for this variant (Variation ID: 3754778). Invitae Evidence Modeling of protein sequence and biophysical properties (such as structural, functional, and spatial information, amino acid conservation, physicochemical variation, residue mobility, and thermodynamic stability) indicates that this missense variant is expected to disrupt CACNA1H protein function with a positive predictive value of 80%. In summary, the available evidence is currently insufficient to determine the role of this variant in disease. Therefore, it has been classified as a Variant of Uncertain Significance.